The following is an entry in ClinVar:

ClinVar aggregate classification (germline): Uncertain significance (1 of 4 stars; one submission).

Conditions:
Alpha thalassemia-X-linked intellectual disability syndrome (ATRX). Also called: ALPHA-THALASSEMIA/MENTAL RETARDATION SYNDROME, X-LINKED; ATR, NONDELETION TYPE; ATR-X syndrome; Alpha thalassemia mental retardation syndrome, nondeletion type, X-linked; XLMR hypotonic face syndrome; X-linked alpha-thalassemia-mental retardation syndrome. Identifiers: Orphanet 847, MedGen C1845055, MONDO:0010519, OMIM 301040.

Submission:

Labcorp Genetics (formerly Invitae), Labcorp
Classification: Uncertain significance for Alpha thalassemia-X-linked intellectual disability syndrome. Last evaluated: 2024-01-14. Review status: criteria provided, single submitter. Criteria: Invitae Variant Classification Sherloc (09022015). Collection method: clinical testing. Allele origin: germline.
Comment: This sequence change replaces aspartic acid, which is acidic and polar, with histidine, which is basic and polar, at codon 848 of the ATRX protein (p.Asp848His). This variant is not present in population databases (gnomAD no frequency). This variant has not been reported in the literature in individuals affected with ATRX-related conditions. Advanced modeling of protein sequence and biophysical properties (such as structural, functional, and spatial information, amino acid conservation, physicochemical variation, residue mobility, and thermodynamic stability) performed at Invitae indicates that this missense variant is not expected to disrupt ATRX protein function with a negative predictive value of 95%. In summary, the available evidence is currently insufficient to determine the role of this variant in disease. Therefore, it has been classified as a Variant of Uncertain Significance.

NM_000489.6(ATRX):c.2542G>C (p.Asp848His)

Gene: ATRX (ATRX chromatin remodeler; minus strand). Cytogenetic location: Xq21.1.
Variant type: single nucleotide variant.
Coding change: c.2542G>C on transcript NM_000489.6 (MANE Select); coding-DNA position 2542, G replaced by C.
Protein change: p.Asp848His; replaces aspartic acid 848 with histidine.
Molecular consequence: missense variant.
Genome position (GRCh38, 1-based): chrX:77,682,714, C>G on the plus strand (G>C on the coding strand, the complement: ATRX is on the minus strand). VCF-style: chrX-77682714-C-G. GRCh37 (hg19) VCF-style: chrX-76938206-C-G.
Other names: c.2428G>C, p.Asp810His (NM_138270.5); short protein forms D810H, D848H.
Identifiers: ClinVar variation 2872619 (VCV002872619.3), dbSNP rs2519936481, ClinGen allele CA413711861.
Genomic context (GRCh38, chrX:77,682,714, plus strand): 5'-AATTTTTGTGCCCTTGATTATCCATTCCTTTTTTGCTGTGTTTCTCATCTTCAGAAGAGT[C>G]AAAATCTTTTGTATTTGGAATTCTTTTTTTGGTGGTTCTGGCAGCACCAATTTTACTCAT-3'
Protein context (NP_000480.3, residues 838-858): KKRIPNTKDF[Asp848His]SSEDEKHSKK